The following is an entry in ClinVar:

NM_004415.4(DSP):c.741= (p.Ala247=)

Gene: DSP (desmoplakin; plus strand). Cytogenetic location: 6p24.3.
Variant type: single nucleotide variant.
Coding change: c.741= on transcript NM_004415.4 (MANE Select); coding-DNA position 741, no change from the reference sequence.
Protein change: p.Ala247=; no amino-acid change (alanine 247 retained).
Molecular consequence: no sequence alteration.
Genome position: GRCh38 VCF-style: chr6-7563750-G-G. GRCh37 (hg19) VCF-style: chr6-7563983-T-G.
Other names: c.741=, p.Ala247= (NM_001008844.3, NM_001319034.2).
Identifiers: ClinVar variation 44952 (VCV000044952.22), dbSNP rs2806234.
Genomic context (GRCh38, chr6:7,563,750, plus strand): 5'-AATCCACAAGGGGATTTATATCTACCTGCTTTTTGTTGTCTTCTAGCGCGAGAAATCTGC[G=]ATCTACCAGTTGGAGGAGGAGTATGAAAACCTGCTGGTAAGCTGATTTATTTCTCAAGTG-3'
Protein context (NP_004406.2, residues 237-257): KIKADLREKS[Ala247=]IYQLEEEYEN

ClinVar aggregate classification (germline): Benign/Likely benign. Review status: criteria provided, multiple submitters, no conflicts (2 of 4 stars). 8 submissions from 8 submitters: Benign (3); Likely benign (2). 3 of the submissions do not count toward it. Last evaluated 2026-02-04.

Conditions:
Cardiovascular phenotype. Identifiers: MedGen CN230736.
Arrhythmogenic cardiomyopathy with wooly hair and keratoderma. Also called: PALMOPLANTAR KERATODERMA WITH LEFT VENTRICULAR CARDIOMYOPATHY AND WOOLLY HAIR; Arrhythmogenic cardiomyopathy with woolly hair and keratoderma; Dilated cardiomyopathy with woolly hair and keratoderma; Carvajal syndrome. Identifiers: Orphanet 65282, MedGen C1854063, MONDO:0011581, OMIM 605676.
Arrhythmogenic right ventricular dysplasia 8 (ARVD8). Also called: Arrhythmogenic Right Ventricular Dysplasia/Cardiomyopathy 8; ARRHYTHMOGENIC RIGHT VENTRICULAR DYSPLASIA, FAMILIAL, 8; ARRHYTHMOGENIC RIGHT VENTRICULAR CARDIOMYOPATHY 8. Identifiers: MedGen C1843896, MONDO:0011831, OMIM 607450.

Allele frequency attached by ClinVar (database versions not stated): gnomAD 0.99917 and 0.99922; TOPMed 0.99924.

Submissions (8):

Labcorp Genetics (formerly Invitae), Labcorp
Classification: Benign for Arrhythmogenic cardiomyopathy with wooly hair and keratoderma; Arrhythmogenic right ventricular dysplasia 8. Last evaluated: 2026-02-04. Review status: criteria provided, single submitter. Criteria: Invitae Variant Classification Sherloc (09022015). Collection method: clinical testing. Allele origin: germline.

Blueprint Genetics
Classification: Benign. Last evaluated: 2024-11-27. Review status: criteria provided, single submitter. Criteria: ACMG Guidelines, 2015. Collection method: clinical testing. Allele origin: germline.

Ambry Genetics
Classification: Benign for cardiovascular phenotype. Last evaluated: 2015-03-09. Review status: criteria provided, single submitter. Criteria: Ambry Autosomal Dominant and X-Linked criteria (10/2015). Collection method: clinical testing. Allele origin: germline. Observed: 1 variant allele.

Laboratory for Molecular Medicine, Mass General Brigham Personalized Medicine
Classification: Likely benign. Last evaluated: 2012-04-17. Review status: criteria provided, single submitter. Criteria: LMM Criteria. Collection method: clinical testing. Allele origin: germline. Observed: 2,018 variant alleles.
Comment: Ala247Ala in Exon 06 of DSP: This variant is not expected to have clinical signi ficance because it does not alter an amino acid residue, is not located within t he splice consensus sequence. It has been identified in 0.2% (13/7020) of Europe an American chromosomes from a broad population by the NHLBI Exome Sequencing Pr oject (dbSNP rs2806234). Ala247Ala in Exon 06 of DSP (allele frequency = 0.2%, 13/7020; dbSNP rs2806234) **

Breakthrough Genomics
Classification: Likely benign. Review status: criteria provided, single submitter. Criteria: ACMG Guidelines, 2015. Collection method: not provided. Allele origin: germline. Inheritance: Autosomal recessive inheritance. Affected: yes.

Clinical Genetics DNA and cytogenetics Diagnostics Lab, Erasmus MC, Erasmus Medical Center
Classification: Benign. Review status: no assertion criteria provided. Collection method: clinical testing. Allele origin: germline. Affected: yes. Study: VKGL Data-share Consensus. Not counted in ClinVar's aggregate classification.

Clinical Genetics, Academic Medical Center
Classification: Benign. Review status: no assertion criteria provided. Collection method: clinical testing. Allele origin: germline. Affected: yes. Study: VKGL Data-share Consensus. Not counted in ClinVar's aggregate classification.

Diagnostic Laboratory, Department of Genetics, University Medical Center Groningen
Classification: Benign. Review status: no assertion criteria provided. Collection method: clinical testing. Allele origin: germline. Affected: yes. Study: VKGL Data-share Consensus. Not counted in ClinVar's aggregate classification.